The following is an entry in ClinVar:

ClinVar aggregate classification (germline): Likely benign. Review status: criteria provided, multiple submitters, no conflicts (2 of 4 stars). 3 submissions from 3 submitters: Likely benign (2). 1 of the submissions does not count toward it. Last evaluated 2025-08-04.

Conditions:
COL4A1-related disorder. Also called: COL4A1-related condition; COL4A1-related disorders. Identifiers: MedGen CN376119, MONDO:0800461.

Allele frequency attached by ClinVar (database versions not stated): gnomAD 0.00001; TOPMed 0.00001.
gnomAD v4.1: 24 of 1,613,774 alleles (0.0015%); highest among the groups gnomAD compares: Admixed American, 0.0067%; no homozygotes.

Submissions (3):

Labcorp Genetics (formerly Invitae), Labcorp
Classification: Likely benign. Last evaluated: 2025-08-04. Review status: criteria provided, single submitter. Criteria: Invitae Variant Classification Sherloc (09022015). Collection method: clinical testing. Allele origin: germline.

CeGaT Center for Human Genetics Tuebingen
Classification: Likely benign. Last evaluated: 2018-03-01. Review status: criteria provided, single submitter. Criteria: CeGaT Center For Human Genetics Tuebingen Variant Classification Criteria Version 2. Collection method: clinical testing. Allele origin: germline. Affected: yes. Observed: 1 variant allele.

PreventionGenetics, part of Exact Sciences
Classification: Likely benign for COL4A1-related condition. Last evaluated: 2022-08-17. Review status: no assertion criteria provided. Collection method: clinical testing. Allele origin: germline. Not counted in ClinVar's aggregate classification.
Comment: This variant is classified as likely benign based on ACMG/AMP sequence variant interpretation guidelines (Richards et al. 2015 PMID: 25741868, with internal and published modifications).

NM_001845.6(COL4A1):c.4803C>T (p.Pro1601=)

Gene: COL4A1 (collagen type IV alpha 1 chain; minus strand). Cytogenetic location: 13q34.
Variant type: single nucleotide variant.
Coding change: c.4803C>T on transcript NM_001845.6 (MANE Select); coding-DNA position 4803, C replaced by T.
Protein change: p.Pro1601=; no amino-acid change (proline 1601 retained).
Molecular consequence: synonymous variant.
Genome position (GRCh38, 1-based): chr13:110,152,459, G>A on the plus strand (C>T on the coding strand, the complement: COL4A1 is on the minus strand). VCF-style: chr13-110152459-G-A. GRCh37 (hg19) VCF-style: chr13-110804806-G-A.
Other names: c.4803C>T (NM_001845.5).
Identifiers: ClinVar variation 546731 (VCV000546731.49), dbSNP rs190097900, ClinGen allele CA7046793.